The following is an entry in ClinVar:

ClinVar aggregate classification (germline): Likely pathogenic (1 of 4 stars; one submission).

Conditions:
Glycogen storage disease, type V (GSD5). Also called: MCARDLE DISEASE; MUSCLE GLYCOGEN PHOSPHORYLASE DEFICIENCY; MYOPHOSPHORYLASE DEFICIENCY; PYGM DEFICIENCY; McArdle type glycogen storage disease. Identifiers: Orphanet 368, MedGen C0017924, MONDO:0009293, OMIM 232600.

Submission:

Natera, Inc.
Classification: Likely pathogenic for Glycogen storage disease V. Last evaluated: 2024-03-04. Review status: criteria provided, single submitter. Criteria: Natera Variant Classification Schema (03/2026). Collection method: clinical testing. Allele origin: germline.
Comment: The c.203G>A variant in PYGM is a nonsense variant predicted to introduce a stop codon at amino acid 68. This variant is expected to result in nonsense mediated decay, truncation, or a dysfunctional protein product. This variant is rare in the general population with a frequency below the threshold expected for the associated phenotype(s). Given the available evidence, this variant is classified as Likely Pathogenic.

NM_005609.4(PYGM):c.203G>A (p.Trp68Ter)

Gene: PYGM (glycogen phosphorylase, muscle associated; minus strand). Cytogenetic location: 11q13.1.
Variant type: single nucleotide variant.
Coding change: c.203G>A on transcript NM_005609.4 (MANE Select); coding-DNA position 203, G replaced by A.
Protein change: p.Trp68Ter; replaces tryptophan 68 with a stop codon.
Molecular consequence: nonsense.
Genome position (GRCh38, 1-based): chr11:64,759,696, C>T on the plus strand (G>A on the coding strand, the complement: PYGM is on the minus strand). VCF-style: chr11-64759696-C-T. GRCh37 (hg19) VCF-style: chr11-64527168-C-T.
Other names: c.203G>A, p.Trp68Ter (NM_001164716.1); short protein forms W68*.
Identifiers: ClinVar variation 4815432 (VCV004815432.1).